The following is an entry in ClinVar:

NM_024769.5(CLMP):c.311G>A (p.Ser104Asn)

Gene: CLMP (CXADR like cell adhesion molecule; minus strand). Cytogenetic location: 11q24.1.
Variant type: single nucleotide variant.
Coding change: c.311G>A on transcript NM_024769.5 (MANE Select); coding-DNA position 311, G replaced by A.
Protein change: p.Ser104Asn; replaces serine 104 with asparagine.
Molecular consequence: missense variant.
Genome position (GRCh38, 1-based): chr11:123,084,589, C>T on the plus strand (G>A on the coding strand, the complement: CLMP is on the minus strand). VCF-style: chr11-123084589-C-T. GRCh37 (hg19) VCF-style: chr11-122955297-C-T.
Other names: short protein forms S104N.
Identifiers: ClinVar variation 4987708 (VCV004987708.1).

ClinVar aggregate classification (germline): Uncertain significance (1 of 4 stars; one submission).

Conditions:
CLMP-related disorder. Also called: CLMP-related condition.

Submission:

PreventionGenetics, part of Exact Sciences
Classification: Uncertain significance for CLMP-related condition. Last evaluated: 2025-08-20. Review status: criteria provided, single submitter. Criteria: ACMG Guidelines, 2015. Collection method: clinical testing. Allele origin: germline.
Comment: The CLMP c.311G>A variant is predicted to result in the amino acid substitution p.Ser104Asn. To our knowledge, this variant has not been reported in the literature or in a large population database (gnomAD), indicating this variant is rare. At this time, the clinical significance of this variant is uncertain due to the absence of conclusive functional and genetic evidence.